The following is an entry in ClinVar:

NM_201596.3(CACNB2):c.952A>G (p.Ile318Val)

Gene: CACNB2 (calcium voltage-gated channel auxiliary subunit beta 2; plus strand). Cytogenetic location: 10p12.31.
Variant type: single nucleotide variant.
Coding change: c.952A>G on transcript NM_201596.3 (MANE Select); coding-DNA position 952, A replaced by G.
Protein change: p.Ile318Val; replaces isoleucine 318 with valine.
Molecular consequence: missense variant.
Genome position (GRCh38, 1-based): chr10:18,527,595, A>G. VCF-style: chr10-18527595-A-G. GRCh37 (hg19) VCF-style: chr10-18816524-A-G.
Other names: c.787A>G, p.Ile263Val (NM_000724.4); c.754A>G, p.Ile252Val (NM_001167945.2); c.673A>G, p.Ile225Val (NM_001330060.2); c.694A>G, p.Ile232Val (NM_001410882.1); c.808A>G, p.Ile270Val (NM_201570.3); c.868A>G, p.Ile290Val (NM_201571.4); c.796A>G, p.Ile266Val (NM_201572.4); c.790A>G, p.Ile264Val (NM_201590.3); and 2 more; short protein forms I266V, I290V, I294V, I232V, I270V, I280V, I225V, I252V.
Identifiers: ClinVar variation 4745100 (VCV004745100.1).
Genomic context (GRCh38, chr10:18,527,595, plus strand): 5'-CCTTTGATTAGACCAATAACCTTAAGGTCTTCTGTGACTTTTTCCTCCAACAGGATATCC[A>G]TCACAAGGGTCACCGCTGACATCTCGCTTGCCAAACGCTCGGTATTAAACAATCCCAGTA-3'
Protein context (NP_963890.2, residues 308-328): LKHRFEGRIS[Ile318Val]TRVTADISLA

ClinVar aggregate classification (germline): Uncertain significance (1 of 4 stars; one submission).

Conditions:
Brugada syndrome 4 (BRGDA4). Identifiers: Orphanet 130, MedGen C2678477, MONDO:0012743, OMIM 611876.

gnomAD v4.1: 1 of 1,612,708 alleles (0.000062%); highest among the groups gnomAD compares: South Asian, 0.0011%; no homozygotes.

Submission:

Labcorp Genetics (formerly Invitae), Labcorp
Classification: Uncertain significance for Brugada syndrome 4. Last evaluated: 2025-02-20. Review status: criteria provided, single submitter. Criteria: Invitae Variant Classification Sherloc (09022015). Collection method: clinical testing. Allele origin: germline.
Comment: This sequence change replaces isoleucine, which is neutral and non-polar, with valine, which is neutral and non-polar, at codon 264 of the CACNB2 protein (p.Ile264Val). This variant is not present in population databases (gnomAD no frequency). This variant has not been reported in the literature in individuals affected with CACNB2-related conditions. Invitae Evidence Modeling of protein sequence and biophysical properties (such as structural, functional, and spatial information, amino acid conservation, physicochemical variation, residue mobility, and thermodynamic stability) indicates that this missense variant is not expected to disrupt CACNB2 protein function with a negative predictive value of 80%. In summary, the available evidence is currently insufficient to determine the role of this variant in disease. Therefore, it has been classified as a Variant of Uncertain Significance.